The following is an entry in ClinVar:

NM_004386.3(NCAN):c.1155C>G (p.Pro385=)

Gene: NCAN (neurocan; plus strand). Cytogenetic location: 19p13.11.
Variant type: single nucleotide variant.
Coding change: c.1155C>G on transcript NM_004386.3 (MANE Select); coding-DNA position 1155, C replaced by G.
Protein change: p.Pro385=; no amino-acid change (proline 385 retained).
Molecular consequence: synonymous variant.
Genome position (GRCh38, 1-based): chr19:19,226,568, C>G. VCF-style: chr19-19226568-C-G. GRCh37 (hg19) VCF-style: chr19-19337377-C-G.
Identifiers: ClinVar variation 3905209 (VCV003905209.10).

ClinVar aggregate classification (germline): Likely benign (1 of 4 stars; one submission).

gnomAD v4.1: 852 of 1,613,676 alleles (0.053%); highest among the groups gnomAD compares: South Asian, 0.88%; 16 homozygotes.

Submission:

CeGaT Center for Human Genetics Tuebingen
Classification: Likely benign. Last evaluated: 2025-06-01. Review status: criteria provided, single submitter. Criteria: CeGaT Center For Human Genetics Tuebingen Variant Classification Criteria Version 2. Collection method: clinical testing. Allele origin: germline. Affected: yes. Observed: 1 variant allele.
Comment: NCAN: BP4, BP7, BS2